The following is an entry in ClinVar:

NM_000719.7(CACNA1C):c.4238C>T (p.Ala1413Val)

Gene: CACNA1C (calcium voltage-gated channel subunit alpha1 C; plus strand). Cytogenetic location: 12p13.33.
Variant type: single nucleotide variant.
Coding change: c.4238C>T on transcript NM_000719.7 (MANE Select); coding-DNA position 4238, C replaced by T.
Protein change: p.Ala1413Val; replaces alanine 1413 with valine.
Molecular consequence: missense variant.
Genome position (GRCh38, 1-based): chr12:2,664,830, C>T. VCF-style: chr12-2664830-C-T. GRCh37 (hg19) VCF-style: chr12-2773996-C-T.
Other names: c.4382C>T, p.Ala1461Val (NM_001129827.2, NM_199460.4); c.4304C>T, p.Ala1435Val (NM_001129829.2); c.4238C>T, p.Ala1413Val (NM_001129830.3, NM_001129833.2, NM_001129834.2 and 7 more transcripts); c.4322C>T, p.Ala1441Val (NM_001129831.2); c.4298C>T, p.Ala1433Val (NM_001129832.2); c.4289C>T, p.Ala1430Val (NM_001129836.2); c.4205C>T, p.Ala1402Val (NM_001129837.2, NM_001129838.2, NM_001129846.2 and 1 more transcripts); c.4199C>T, p.Ala1400Val (NM_001129839.2); and 1 more; short protein forms A1400V, A1402V, A1410V, A1413V, A1430V, A1433V, A1435V, A1441V.
Identifiers: ClinVar variation 3392968 (VCV003392968.1).

ClinVar aggregate classification (germline): Uncertain significance (1 of 4 stars; one submission).

Submission:

GeneDx
Classification: Uncertain significance. Last evaluated: 2024-06-28. Review status: criteria provided, single submitter. Criteria: GeneDx Variant Classification Process June 2021. Collection method: clinical testing. Allele origin: germline. Affected: yes.
Comment: Not observed at significant frequency in large population cohorts (gnomAD); In silico analysis supports that this missense variant has a deleterious effect on protein structure/function; Has not been previously published as pathogenic or benign to our knowledge